The following is an entry in ClinVar:

NM_000642.3(AGL):c.141_142dup (p.Thr48fs)

Gene: AGL (amylo-alpha-1,6-glucosidase and 4-alpha-glucanotransferase; plus strand). Cytogenetic location: 1p21.2.
Variant type: Microsatellite.
Coding change: c.141_142dup on transcript NM_000642.3 (MANE Select); coding-DNA positions 141 to 142, 2 bases duplicated (TA; older notation c.141_142dupTA).
Protein change: p.Thr48fs; shifts the reading frame from threonine 48.
Molecular consequence: frameshift variant. On other transcripts: intron variant (1).
Genome position (GRCh38, 1-based): chr1:99,861,561-99,861,562, TA duplicated; duplicating any 2 consecutive bases within chr1:99,861,559-99,861,562 gives the same sequence; the c. name uses the placement nearest the transcript's 3' end. VCF-style (leftmost placement, unchanged base first): chr1-99861558-G-GTA. GRCh37 (hg19) VCF-style: chr1-100327114-G-GTA.
Other names: c.83-2827TA[3] (NM_001425332.1); c.141_142dup, p.Thr48fs (NM_000028.3, NM_000643.3, NM_000644.3 and 5 more transcripts); c.93_94dup, p.Thr32fs (NM_000646.3); short protein forms T32fs, T48fs.
Identifiers: ClinVar variation 5007375 (VCV005007375.2).
Genomic context (GRCh38, chr1:99,861,558, plus strand): 5'-TTTAGGGTATGAGCTACAGTTCCGATTAGGCCCAACTTTACAGGGAAAAGCAGTTACCGT[G>GTA]TATACAAATTACCCATTTCCTGGAGAAACATTTAATAGAGAAAAATTCCGTTCTCTGGAT-3'

ClinVar aggregate classification (germline): Likely pathogenic (1 of 4 stars; one submission).

Conditions:
Glycogen storage disease type III (GSD3). Also called: Cori disease; FORBES DISEASE. Identifiers: Orphanet 366, MedGen C0017922, MONDO:0009291, OMIM 232400.

Submission:

Juno Genomics, Hangzhou Juno Genomics, Inc
Classification: Likely pathogenic for Glycogen storage disease type III. Review status: criteria provided, single submitter. Criteria: ACMG Guidelines, 2015. Collection method: clinical testing. Allele origin: germline.
Comment: Null variant in a gene where loss of function (LOF) is a known mechanism of disease.;Absent from controls (or at extremely low frequency if recessive) in Genome Aggregation Database.